The following is an entry in ClinVar:

NM_000268.4(NF2):c.931A>G (p.Arg311Gly)

Gene: NF2 (NF2, moesin-ezrin-radixin like (MERLIN) tumor suppressor; plus strand). Cytogenetic location: 22q12.2.
Variant type: single nucleotide variant.
Coding change: c.931A>G on transcript NM_000268.4 (MANE Select); coding-DNA position 931, A replaced by G.
Protein change: p.Arg311Gly; replaces arginine 311 with glycine.
Molecular consequence: missense variant. On other transcripts: non-coding transcript variant (1), intron variant (1).
Genome position (GRCh38, 1-based): chr22:29,668,378, A>G. VCF-style: chr22-29668378-A-G. GRCh37 (hg19) VCF-style: chr22-30064367-A-G.
Other names: c.817A>G, p.Arg273Gly (NM_001407053.1, NM_001407056.1); c.808A>G, p.Arg270Gly (NM_001407054.1, NM_001407058.1, NM_181829.3); c.805A>G, p.Arg269Gly (NM_001407055.1, NM_181828.3); c.796A>G, p.Arg266Gly (NM_001407057.1, NM_001407059.1); c.931A>G, p.Arg311Gly (NM_001407060.1, NM_001407066.1, NM_016418.5 and 2 more transcripts); c.673A>G, p.Arg225Gly (NM_001407062.1); c.682A>G, p.Arg228Gly (NM_001407063.1, NM_001407064.1, NM_181830.3 and 1 more transcripts); c.397A>G, p.Arg133Gly (NM_001407065.1); and 2 more; short protein forms R225G, R228G, R234G, R311G, R269G, R273G, R133G, R266G.
Identifiers: ClinVar variation 3655635 (VCV003655635.2).
Genomic context (GRCh38, chr22:29,668,378, plus strand): 5'-CTTCTGTGGCCACAGATTCTCCAGCTATGTATCGGGAACCATGATCTATTTATGAGGAGA[A>G]GGAAAGCCGATTCTTTGGAAGTTCAGCAGATGAAAGCCCAGGCCAGGGAGGAGAAGGCTA-3'
Protein context (NP_000259.1, residues 301-321): IGNHDLFMRR[Arg311Gly]KADSLEVQQM

ClinVar aggregate classification (germline): Uncertain significance (1 of 4 stars; one submission).

Conditions:
Neurofibromatosis, type 2 (SWNV). Also called: BILATERAL ACOUSTIC NEUROFIBROMATOSIS; SCHWANNOMATOSIS, VESTIBULAR; NF2-Related Schwannomatosis. Identifiers: Orphanet 637, MedGen C0027832, MONDO:0007039, OMIM 101000. Disease mechanism: loss of function.

Submission:

Labcorp Genetics (formerly Invitae), Labcorp
Classification: Uncertain significance for Neurofibromatosis, type 2. Last evaluated: 2024-09-17. Review status: criteria provided, single submitter. Criteria: Invitae Variant Classification Sherloc (09022015). Collection method: clinical testing. Allele origin: germline.
Comment: This sequence change replaces arginine, which is basic and polar, with glycine, which is neutral and non-polar, at codon 311 of the NF2 protein (p.Arg311Gly). This variant is not present in population databases (gnomAD no frequency). This variant has not been reported in the literature in individuals affected with NF2-related conditions. Invitae Evidence Modeling of protein sequence and biophysical properties (such as structural, functional, and spatial information, amino acid conservation, physicochemical variation, residue mobility, and thermodynamic stability) indicates that this missense variant is expected to disrupt NF2 protein function with a positive predictive value of 80%. In summary, the available evidence is currently insufficient to determine the role of this variant in disease. Therefore, it has been classified as a Variant of Uncertain Significance.